The following is an entry in ClinVar:

NM_000321.3(RB1):c.335_339del (p.Glu112fs)

Gene: RB1 (RB transcriptional corepressor 1; plus strand). Cytogenetic location: 13q14.2.
Variant type: Microsatellite.
Coding change: c.335_339del on transcript NM_000321.3 (MANE Select); coding-DNA positions 335 to 339, 5 bases deleted (AGATG; older notation c.335_339delAGATG).
Protein change: p.Glu112fs; shifts the reading frame from glutamic acid 112.
Molecular consequence: frameshift variant.
Genome position (GRCh38, 1-based): chr13:48,342,669-48,342,673, AGATG deleted; deleting any 5 consecutive bases within chr13:48,342,664-48,342,673 gives the same sequence; the c. name uses the placement nearest the transcript's 3' end. VCF-style (leftmost placement, unchanged base first): chr13-48342663-TAGATG-T. GRCh37 (hg19) VCF-style: chr13-48916799-TAGATG-T.
Other names: c.335_339delAGATG (NM_000321.2); short protein forms E112fs.
Identifiers: ClinVar variation 421906 (VCV000421906.2), dbSNP rs1064795438, ClinGen allele CA16619810.

ClinVar aggregate classification (germline): Likely pathogenic (1 of 4 stars; one submission).

Submission:

GeneDx
Classification: Likely pathogenic. Last evaluated: 2016-08-11. Review status: criteria provided, single submitter. Criteria: GeneDx Variant Classification (06012015). Collection method: clinical testing. Allele origin: germline. Affected: yes.
Comment: The c.335_339delAGATG pathogenic variant in the RB1 gene has not been published previously, to our knowledge. The c.335_339delAGATG variant causes a frameshift starting with codon Glutamic Acid 112, changes this amino acid to a Valine residue, and creates a premature Stop codon at position 6 of the new reading frame, denoted p.Glu112ValfxX6. This variant is predicted to cause loss of normal protein function either through protein truncation or nonsense-mediated mRNA decay. The c.335_339delAGATG variant was not observed in approximately 6500 individuals of European and African American ancestry in the NHLBI Exome Sequencing Project, indicating it is not a common benign variant in these populations. Therefore, based on the ACMG recommendations, c.335_339delAGATG is interpreted as an expected pathogenic sequence change.